The following is an entry in ClinVar:

NM_003119.4(SPG7):c.52G>A (p.Gly18Ser)

Genes: SPG7 (SPG7 matrix AAA peptidase subunit, paraplegin; plus strand), LOC130059818 (ATAC-STARR-seq lymphoblastoid silent region 7911; plus strand). Cytogenetic location: 16q24.3.
Variant type: single nucleotide variant.
Coding change: c.52G>A on transcript NM_003119.4 (MANE Select); coding-DNA position 52, G replaced by A.
Protein change: p.Gly18Ser; replaces glycine 18 with serine.
Molecular consequence: missense variant.
Genome position (GRCh38, 1-based): chr16:89,508,469, G>A. VCF-style: chr16-89508469-G-A. GRCh37 (hg19) VCF-style: chr16-89574877-G-A.
Other names: c.52G>A, p.Gly18Ser (NM_001363850.1, NM_199367.3); short protein forms G18S.
Identifiers: ClinVar variation 2777598 (VCV002777598.3), dbSNP rs2057959836, ClinGen allele CA397415891.
Genomic context (GRCh38, chr16:89,508,469, plus strand): 5'-CAGGCCAACATGGCCGTGCTGCTGCTGCTGCTCCGTGCCCTCCGCCGGGGTCCAGGCCCG[G>A]GTCCTCGGCCGCTGTGGGGCCCAGGCCCGGCCTGGAGTCCAGGGTTCCCCGCCAGGCCCG-3'
Protein context (NP_003110.1, residues 8-28): LRALRRGPGP[Gly18Ser]PRPLWGPGPA

ClinVar aggregate classification (germline): Uncertain significance (1 of 4 stars; one submission).

Conditions:
Hereditary spastic paraplegia 7 (SPG7). Also called: SPG7-related neurologic disorder; Spastic paraplegia 7; Hereditary spastic paraplegia Paraplegin type; Autosomal recessive spastic paraplegia type 7; SPASTIC PARAPLEGIA 7, AUTOSOMAL RECESSIVE, WITH OR WITHOUT CEREBELLAR ATAXIA. Identifiers: Orphanet 99013, MedGen C1846564, MONDO:0011803, OMIM 607259.

Submission:

Labcorp Genetics (formerly Invitae), Labcorp
Classification: Uncertain significance for Hereditary spastic paraplegia 7. Last evaluated: 2023-05-08. Review status: criteria provided, single submitter. Criteria: Invitae Variant Classification Sherloc (09022015). Collection method: clinical testing. Allele origin: germline.
Comment: In summary, the available evidence is currently insufficient to determine the role of this variant in disease. Therefore, it has been classified as a Variant of Uncertain Significance. Advanced modeling of protein sequence and biophysical properties (such as structural, functional, and spatial information, amino acid conservation, physicochemical variation, residue mobility, and thermodynamic stability) has been performed at Invitae for this missense variant, however the output from this modeling did not meet the statistical confidence thresholds required to predict the impact of this variant on SPG7 protein function. This variant has not been reported in the literature in individuals affected with SPG7-related conditions. This variant is not present in population databases (gnomAD no frequency). This sequence change replaces glycine, which is neutral and non-polar, with serine, which is neutral and polar, at codon 18 of the SPG7 protein (p.Gly18Ser).